The following is an entry in ClinVar:

NM_000379.4(XDH):c.3671G>T (p.Gly1224Val)

Gene: XDH (xanthine dehydrogenase; minus strand). Cytogenetic location: 2p23.1.
Variant type: single nucleotide variant.
Coding change: c.3671G>T on transcript NM_000379.4 (MANE Select); coding-DNA position 3671, G replaced by T.
Protein change: p.Gly1224Val; replaces glycine 1224 with valine.
Molecular consequence: missense variant.
Genome position (GRCh38, 1-based): chr2:31,339,592, C>A on the plus strand (G>T on the coding strand, the complement: XDH is on the minus strand). VCF-style: chr2-31339592-C-A. GRCh37 (hg19) VCF-style: chr2-31562458-C-A.
Other names: short protein forms G1224V.
Identifiers: ClinVar variation 2111944 (VCV002111944.4), dbSNP rs2465298002, ClinGen allele CA346494769.
Genomic context (GRCh38, chr2:31,339,592, plus strand): 5'-AGGGACACCCTGAACTCAATGGGGATGCTGCCAAATGCCGGGATCTTGTAGGTGCTAGGG[C>A]CACGGGTGTGCAGGCTCCCCTCGGGGGAATAGTGTAGCTCCTCTAGGGTGAAGAGGCCAA-3'
Protein context (NP_000370.2, residues 1214-1234): YSPEGSLHTR[Gly1224Val]PSTYKIPAFG

ClinVar aggregate classification (germline): Uncertain significance (1 of 4 stars; one submission).

Conditions:
Xanthinuria type II. Also called: Xanthine dehydrogenase and aldehyde oxidase combined deficiency of; XDH and AOX dual deficiency. Identifiers: Orphanet 3467, Orphanet 93602, MedGen C1863688, MONDO:0011346, OMIM 603592.

gnomAD v4.1: 3 of 1,614,176 alleles (0.00019%); highest among the groups gnomAD compares: Non-Finnish European, 0.00025%; no homozygotes.

Submission:

Labcorp Genetics (formerly Invitae), Labcorp
Classification: Uncertain significance for Xanthinuria type II. Last evaluated: 2022-03-19. Review status: criteria provided, single submitter. Criteria: Invitae Variant Classification Sherloc (09022015). Collection method: clinical testing. Allele origin: germline.
Comment: This variant is not present in population databases (gnomAD no frequency). In summary, the available evidence is currently insufficient to determine the role of this variant in disease. Therefore, it has been classified as a Variant of Uncertain Significance. Algorithms developed to predict the effect of missense changes on protein structure and function (SIFT, PolyPhen-2, Align-GVGD) all suggest that this variant is likely to be disruptive. This variant has not been reported in the literature in individuals affected with XDH-related conditions. This sequence change replaces glycine, which is neutral and non-polar, with valine, which is neutral and non-polar, at codon 1224 of the XDH protein (p.Gly1224Val).